The following is an entry in ClinVar:

ClinVar aggregate classification (germline): Benign/Likely benign. Review status: criteria provided, multiple submitters, no conflicts (2 of 4 stars). 3 submissions from 3 submitters: Benign (1); Likely benign (2). Last evaluated 2025-03-10.

Conditions:
Pheochromocytoma/paraganglioma syndrome 5. Also called: Paragangliomas 5; SDHA-Related Hereditary Paraganglioma-Pheochromocytoma Syndrome. Identifiers: Orphanet 29072, MedGen C3279992, MONDO:0013602, OMIM 614165.
Mitochondrial complex II deficiency, nuclear type 1. Also called: SUCCINATE CoQ REDUCTASE DEFICIENCY. Identifiers: Orphanet 3208, MedGen C5700310, MONDO:0100294, OMIM 252011.
Hereditary cancer-predisposing syndrome. Also called: Tumor predisposition; Neoplastic Syndromes, Hereditary; Hereditary Cancer Syndrome; Hereditary neoplastic syndrome. Identifiers: Orphanet 140162, MedGen C0027672, MeSH D009386, MONDO:0015356.

Allele frequency attached by ClinVar (database versions not stated): gnomAD exomes below 0.00001.
gnomAD v4.1: 1 of 1,613,968 alleles (0.000062%); highest among the groups gnomAD compares: Non-Finnish European, 0.000085%; no homozygotes.

Submissions (3):

Myriad Genetics, Inc.
Classification: Benign for Pheochromocytoma/paraganglioma syndrome 5. Last evaluated: 2025-03-10. Review status: criteria provided, single submitter. Criteria: Myriad Autosomal Dominant, Autosomal Recessive and X-Linked Classification Criteria (2023). Collection method: clinical testing. Allele origin: unknown.
Comment: This variant is considered benign. This variant is a silent/synonymous amino acid change and it is not expected to impact splicing.

Ambry Genetics
Classification: Likely benign for Hereditary cancer-predisposing syndrome. Last evaluated: 2022-02-05. Review status: criteria provided, single submitter. Criteria: Ambry Variant Classification Scheme 2023. Collection method: clinical testing. Allele origin: germline.

Labcorp Genetics (formerly Invitae), Labcorp
Classification: Likely benign for Pheochromocytoma/paraganglioma syndrome 5; Mitochondrial complex II deficiency, nuclear type 1. Last evaluated: 2020-09-17. Review status: criteria provided, single submitter. Criteria: Invitae Variant Classification Sherloc (09022015). Collection method: clinical testing. Allele origin: germline.

NM_004168.4(SDHA):c.1326C>T (p.Ala442=)

Gene: SDHA (succinate dehydrogenase complex flavoprotein subunit A; plus strand). Cytogenetic location: 5p15.33.
Variant type: single nucleotide variant.
Coding change: c.1326C>T on transcript NM_004168.4 (MANE Select); coding-DNA position 1326, C replaced by T.
Protein change: p.Ala442=; no amino-acid change (alanine 442 retained).
Molecular consequence: synonymous variant.
Genome position (GRCh38, 1-based): chr5:236,493, C>T. VCF-style: chr5-236493-C-T. GRCh37 (hg19) VCF-style: chr5-236608-C-T.
Other names: c.1182C>T, p.Ala394= (NM_001294332.2); c.1326C>T, p.Ala442= (NM_001330758.2).
Identifiers: ClinVar variation 1111674 (VCV001111674.12), dbSNP rs2126589832, ClinGen allele CA442692096.